The following is an entry in ClinVar:

NM_019888.3(MC3R):c.134dup (p.Leu46fs)

Gene: MC3R (melanocortin 3 receptor; plus strand). Cytogenetic location: 20q13.2.
Variant type: Duplication.
Coding change: c.134dup on transcript NM_019888.3 (MANE Select); coding-DNA position 134, one base duplicated (T; older notation c.134dupT).
Protein change: p.Leu46fs; shifts the reading frame from leucine 46.
Molecular consequence: frameshift variant.
Genome position (GRCh38, 1-based): chr20:56,248,977, T duplicated; the last of 4 consecutive T bases (chr20:56,248,974-56,248,977); duplicating any one gives the same sequence. VCF-style (leftmost placement, unchanged base first): chr20-56248973-G-GT. GRCh37 (hg19) VCF-style: chr20-54824029-G-GT.
Other names: c.134dupT (NM_019888.3); short protein forms L46fs.
Identifiers: ClinVar variation 5002049 (VCV005002049.1).

ClinVar aggregate classification (germline): Uncertain significance (1 of 4 stars; one submission).

Conditions:
MC3R-related disorder. Also called: MC3R-related condition.

Submission:

PreventionGenetics, part of Exact Sciences
Classification: Uncertain significance for MC3R-related condition. Last evaluated: 2025-07-15. Review status: criteria provided, single submitter. Criteria: ACMG Guidelines, 2015. Collection method: clinical testing. Allele origin: germline.
Comment: The MC3R c.134dupT variant is predicted to result in a frameshift and premature protein termination (p.Leu46Profs*266). To our knowledge, this variant has not been reported in the literature or in a large population database (gnomAD), indicating this variant is rare. At this time, the clinical significance of this variant is uncertain due to the absence of conclusive functional and genetic evidence.